The following is an entry in ClinVar:

NM_005026.5(PIK3CD):c.342C>T (p.Asn114=)

Gene: PIK3CD (phosphatidylinositol-4,5-bisphosphate 3-kinase catalytic subunit delta; plus strand). Cytogenetic location: 1p36.22.
Variant type: single nucleotide variant.
Coding change: c.342C>T on transcript NM_005026.5 (MANE Select); coding-DNA position 342, C replaced by T.
Protein change: p.Asn114=; no amino-acid change (asparagine 114 retained).
Molecular consequence: synonymous variant.
Genome position (GRCh38, 1-based): chr1:9,715,741, C>T. VCF-style: chr1-9715741-C-T. GRCh37 (hg19) VCF-style: chr1-9775799-C-T.
Other names: c.342C>T, p.Asn114= (NM_001350234.2, NM_001350235.1).
Identifiers: ClinVar variation 735221 (VCV000735221.17), dbSNP rs201273776, ClinGen allele CA576836.

ClinVar aggregate classification (germline): Benign/Likely benign. Review status: criteria provided, multiple submitters, no conflicts (2 of 4 stars). 3 submissions from 3 submitters: Benign (1); Likely benign (1). 1 of the submissions does not count toward it. Last evaluated 2026-01-01.

Conditions:
Immunodeficiency 14 (IMD14A). Also called: IMMUNODEFICIENCY 14A WITH LYMPHOPROLIFERATION, AUTOSOMAL DOMINANT; ACTIVATED PI3K-DELTA SYNDROME 1; Activated PI3K Delta Syndrome Type 1 (APDS1); p110-DELTA-ACTIVATING MUTATION CAUSING SENESCENT T CELLS, LYMPHADENOPATHY, AND IMMUNODEFICIENCY. Identifiers: Orphanet 397596, Orphanet 693661, MedGen C5907821, MONDO:0014222, OMIM 615513.
PIK3CD-related disorder. Also called: PIK3CD-related condition.

Allele frequency attached by ClinVar (database versions not stated): gnomAD 0.00007; TOPMed 0.00014; 1000 Genomes Project 30x 0.00016; ExAC 0.00018; 1000 Genomes Project 0.00020.
gnomAD v4.1: 114 of 1,613,440 alleles (0.0071%); highest among the groups gnomAD compares: Admixed American, 0.18%; no homozygotes.

Submissions (3):

CeGaT Center for Human Genetics Tuebingen
Classification: Likely benign. Last evaluated: 2026-01-01. Review status: criteria provided, single submitter. Criteria: CeGaT Center For Human Genetics Tuebingen Variant Classification Criteria Version 2. Collection method: clinical testing. Allele origin: germline. Affected: yes. Observed: 1 variant allele.
Comment: PIK3CD: BP4, BP7

Labcorp Genetics (formerly Invitae), Labcorp
Classification: Benign for Activated PI3K-delta syndrome. Last evaluated: 2025-12-11. Review status: criteria provided, single submitter. Criteria: Invitae Variant Classification Sherloc (09022015). Collection method: clinical testing. Allele origin: germline.

PreventionGenetics, part of Exact Sciences
Classification: Likely benign for PIK3CD-related condition. Last evaluated: 2022-04-25. Review status: no assertion criteria provided. Collection method: clinical testing. Allele origin: germline. Not counted in ClinVar's aggregate classification.
Comment: This variant is classified as likely benign based on ACMG/AMP sequence variant interpretation guidelines (Richards et al. 2015 PMID: 25741868, with internal and published modifications).